The following is an entry in ClinVar:

ClinVar aggregate classification (germline): Likely benign. Review status: criteria provided, single submitter (1 of 4 stars). 2 submissions from 2 submitters: Likely benign (1). 1 of the submissions does not count toward it. Last evaluated 2026-01-17.

Conditions:
ATP8B1-related disorder. Also called: ATP8B1-related condition; ATP8B1-related disorders.

Allele frequency attached by ClinVar (database versions not stated): ExAC 0.00002; gnomAD 0.00003; TOPMed 0.00005; gnomAD exomes 0.00006; ESP Exome Variant Server 0.00008.
gnomAD v4.1: 93 of 1,612,382 alleles (0.0058%); highest among the groups gnomAD compares: Non-Finnish European, 0.0073%; no homozygotes.

Submissions (2):

Labcorp Genetics (formerly Invitae), Labcorp
Classification: Likely benign. Last evaluated: 2026-01-17. Review status: criteria provided, single submitter. Criteria: Invitae Variant Classification Sherloc (09022015). Collection method: clinical testing. Allele origin: germline.

PreventionGenetics, part of Exact Sciences
Classification: Likely benign for ATP8B1-related condition. Last evaluated: 2021-06-15. Review status: no assertion criteria provided. Collection method: clinical testing. Allele origin: germline. Not counted in ClinVar's aggregate classification.
Comment: This variant is classified as likely benign based on ACMG/AMP sequence variant interpretation guidelines (Richards et al. 2015 PMID: 25741868, with internal and published modifications).

NM_001374385.1(ATP8B1):c.766T>C (p.Leu256=)

Gene: ATP8B1 (ATPase phospholipid transporting 8B1; minus strand). Cytogenetic location: 18q21.31.
Variant type: single nucleotide variant.
Coding change: c.766T>C on transcript NM_001374385.1 (MANE Select); coding-DNA position 766, T replaced by C.
Protein change: p.Leu256=; no amino-acid change (leucine 256 retained).
Molecular consequence: synonymous variant.
Genome position (GRCh38, 1-based): chr18:57,695,465, A>G on the plus strand (T>C on the coding strand, the complement: ATP8B1 is on the minus strand). VCF-style: chr18-57695465-A-G. GRCh37 (hg19) VCF-style: chr18-55362697-A-G.
Other names: c.766T>C (NM_005603.4); c.616T>C, p.Leu206= (NM_001374386.1); c.766T>C, p.Leu256= (NM_005603.6).
Identifiers: ClinVar variation 2747249 (VCV002747249.5), dbSNP rs199865703, ClinGen allele CA8974731.